The following is an entry in ClinVar:

NM_022101.4(STEEP1):c.163del (p.Arg55fs)

Gene: STEEP1 (STING1 ER exit protein 1; minus strand). Cytogenetic location: Xq24.
Variant type: Deletion.
Coding change: c.163del on transcript NM_022101.4 (MANE Select); coding-DNA position 163, one base deleted (C; older notation c.163delC).
Protein change: p.Arg55fs; shifts the reading frame from arginine 55.
Molecular consequence: frameshift variant.
Genome position (GRCh38, 1-based): chrX:119,560,347, G deleted on the plus strand (C on the coding strand, the reverse complement: STEEP1 is on the minus strand); the first of 2 consecutive G bases (chrX:119,560,347-119,560,348); deleting either gives the same sequence. VCF-style (leftmost placement, unchanged base first): chrX-119560346-CG-C. GRCh37 (hg19) VCF-style: chrX-118694309-CG-C.
Other names: c.16del, p.Arg6fs (NM_001170569.1); c.163del, p.Arg55fs (NM_001170570.2); short protein forms R55fs, R6fs.
Identifiers: ClinVar variation 1698675 (VCV001698675.1), dbSNP rs2147360775, ClinGen allele CA2580100253.

ClinVar aggregate classification (germline): Likely pathogenic (1 of 4 stars; one submission).

Conditions:
Intellectual developmental disorder, X-linked 107. Also called: Intellectual disability, X-linked 107; MENTAL RETARDATION, X-LINKED 107. Identifiers: MedGen C4692652, MONDO:0049222, OMIM 301013.

Submission:

Women's Health and Genetics/Laboratory Corporation of America, LabCorp
Classification: Likely pathogenic for Intellectual developmental disorder, X-linked 107. Last evaluated: 2022-05-23. Review status: criteria provided, single submitter. Criteria: LabCorp Variant Classification Summary - May 2015. Collection method: clinical testing. Allele origin: germline.
Comment: Variant summary: CXorf56 c.163delC (p.Arg55GlyfsX4) results in a premature termination codon, predicted to cause a truncation of the encoded protein or absence of the protein due to nonsense mediated decay, which are commonly known mechanisms for disease. The variant was absent in 183271 control chromosomes (gnomAD). To our knowledge, no occurrence of c.163delC in individuals affected with Intellectual Disability, X-Linked 107 and no experimental evidence demonstrating its impact on protein function have been reported. No clinical diagnostic laboratories have submitted clinical-significance assessments for this variant to ClinVar after 2014. Based on the evidence outlined above, the variant was classified as likely pathogenic.